The following is an entry in ClinVar:

ClinVar aggregate classification (germline): Likely pathogenic (1 of 4 stars; one submission).

Conditions:
Dyskeratosis congenita. Identifiers: Orphanet 1775, MedGen C0265965, MONDO:0015780.

Submission:

Labcorp Genetics (formerly Invitae), Labcorp
Classification: Likely pathogenic for Dyskeratosis congenita. Last evaluated: 2021-04-09. Review status: criteria provided, single submitter. Criteria: Invitae Variant Classification Sherloc (09022015). Collection method: clinical testing. Allele origin: germline.
Comment: This sequence change affects a donor splice site in intron 9 of the CTC1 gene. It is expected to disrupt RNA splicing. Variants that disrupt the donor or acceptor splice site typically lead to a loss of protein function (PMID: 16199547), and loss-of-function variants in CTC1 are known to be pathogenic (PMID: 22267198, 22387016). This variant is not present in population databases (ExAC no frequency). This variant has not been reported in the literature in individuals with CTC1-related conditions. Algorithms developed to predict the effect of sequence changes on RNA splicing suggest that this variant may disrupt the consensus splice site, but this prediction has not been confirmed by published transcriptional studies. In summary, the currently available evidence indicates that the variant is pathogenic, but additional data are needed to prove that conclusively. Therefore, this variant has been classified as Likely Pathogenic.

Literature cited by the submitters: PubMed 16199547; PubMed 22267198; PubMed 22387016.

NM_025099.6(CTC1):c.1617+1G>T

Gene: CTC1 (CST telomere replication complex component 1; minus strand). Cytogenetic location: 17p13.1.
Variant type: single nucleotide variant.
Coding change: c.1617+1G>T on transcript NM_025099.6 (MANE Select); the canonical splice donor site of the intron after coding-DNA position 1617, G replaced by T.
Molecular consequence: splice donor variant.
Genome position (GRCh38, 1-based): chr17:8,234,748, C>A on the plus strand (G>T on the coding strand, the complement: CTC1 is on the minus strand). VCF-style: chr17-8234748-C-A. GRCh37 (hg19) VCF-style: chr17-8138066-C-A.
Other names: c.1617+1G>T (NM_001411067.1).
Identifiers: ClinVar variation 1496320 (VCV001496320.8), dbSNP rs1201400384, ClinGen allele CA397983515.
Genomic context (GRCh38, chr17:8,234,748, plus strand): 5'-TCCCATGGGCCCCAGGTGTCCTCCAGTGTTCTGCCACCATCCTTCCCCCACATCCTCATA[C>A]TTTCTGGAGGGGACAGTGATGTGGCTCTTCAAGGATCTCATTGTGTGCATTCCGAACAGG-3'